The following is an entry in ClinVar:

ClinVar aggregate classification (germline): Uncertain significance (1 of 4 stars; one submission).

Conditions:
Neurodevelopmental disorder with dysmorphic facies and distal limb anomalies. Identifiers: Orphanet 686482, MedGen C4540327, MONDO:0060596, OMIM 617755.

Allele frequency attached by ClinVar (database versions not stated): gnomAD exomes below 0.00001.
gnomAD v4.1: 2 of 1,614,052 alleles (0.00012%); highest among the groups gnomAD compares: Non-Finnish European, 0.00017%; no homozygotes.

Submission:

Victorian Clinical Genetics Services, Murdoch Childrens Research Institute
Classification: Uncertain significance for Neurodevelopmental disorder with dysmorphic facies and distal limb anomalies. Last evaluated: 2022-09-02. Review status: criteria provided, single submitter. Criteria: ACMG Guidelines, 2015. Collection method: clinical testing. Allele origin: germline. Inheritance: Autosomal dominant inheritance. Affected: yes.
Comment: Based on the classification scheme VCGS_Germline_v1.3.4, this variant is classified as VUS-3C. Following criteria are met: 0102 - Loss of function is a known mechanism of disease in this gene and is associated with neurodevelopmental disorder with dysmorphic facies and distal limb anomalies (MIM#617755). (I) 0107 - This gene is associated with autosomal dominant disease. (I) 0200 - Variant is predicted to result in a missense amino acid change from aspartic acid to asparagine. (I) 0251 - This variant is heterozygous. (I) 0301 - Variant is absent from gnomAD (both v2 and v3). (SP) 0504 - Same amino acid change has been observed in placental mammals. (SB) 0604 - Variant is not located in an established domain, motif, hotspot or informative constraint region. (I) 0705 - No comparable missense variants have previous evidence for pathogenicity. (I) 0807 - This variant has no previous evidence of pathogenicity. (I) 0905 - No published segregation evidence has been identified for this variant. (I) 1007 - No published functional evidence has been identified for this variant. (I) 1208 - Inheritance information for this variant is not currently available in this individual. (I) Legend: (SP) - Supporting pathogenic, (I) - Information, (SB) - Supporting benign

NM_182641.4(BPTF):c.3403G>A (p.Asp1135Asn)

Gene: BPTF (bromodomain PHD finger transcription factor; plus strand). Cytogenetic location: 17q24.2.
Variant type: single nucleotide variant.
Coding change: c.3403G>A on transcript NM_182641.4 (MANE Select); coding-DNA position 3403, G replaced by A.
Protein change: p.Asp1135Asn; replaces aspartic acid 1135 with asparagine.
Molecular consequence: missense variant.
Genome position (GRCh38, 1-based): chr17:67,911,287, G>A. VCF-style: chr17-67911287-G-A. GRCh37 (hg19) VCF-style: chr17-65907403-G-A.
Other names: c.3781G>A, p.Asp1261Asn (NM_004459.7); short protein forms D1135N, D1261N.
Identifiers: ClinVar variation 1699005 (VCV001699005.3), dbSNP rs2146917785, ClinGen allele CA400726462.